The following is an entry in ClinVar:

NM_198060.4(NRAP):c.3021G>T (p.Pro1007=)

Gene: NRAP (nebulin related anchoring protein; minus strand). Cytogenetic location: 10q25.3.
Variant type: single nucleotide variant.
Coding change: c.3021G>T on transcript NM_198060.4 (MANE Select); coding-DNA position 3021, G replaced by T.
Protein change: p.Pro1007=; no amino-acid change (proline 1007 retained).
Molecular consequence: synonymous variant.
Genome position (GRCh38, 1-based): chr10:113,615,769, C>A on the plus strand (G>T on the coding strand, the complement: NRAP is on the minus strand). VCF-style: chr10-113615769-C-A. GRCh37 (hg19) VCF-style: chr10-115375528-C-A.
Other names: c.3021G>T, p.Pro1007= (NM_001261463.2); c.2913G>T, p.Pro971= (NM_001322945.2); c.2916G>T, p.Pro972= (NM_006175.5).
Identifiers: ClinVar variation 1277156 (VCV001277156.5), dbSNP rs11196397, ClinGen allele CA5694951.

ClinVar aggregate classification (germline): Benign. Review status: criteria provided, multiple submitters, no conflicts (2 of 4 stars). 4 submissions from 4 submitters: Benign (3). 1 of the submissions does not count toward it. Last evaluated 2025-04-09.

Conditions:
NRAP-related disorder. Also called: NRAP-related condition.

Allele frequency attached by ClinVar (database versions not stated): 1000 Genomes Project 0.22764; 1000 Genomes Project 30x 0.22423; ESP Exome Variant Server 0.21282; TOPMed 0.21842; gnomAD 0.22319.
gnomAD v4.1: 422,912 of 1,606,332 alleles (26%); highest among the groups gnomAD compares: East Asian, 43%; 59,362 homozygotes.

Submissions (4):

Molecular Diagnostic Laboratory for Inherited Cardiovascular Disease, Montreal Heart Institute
Classification: Benign. Last evaluated: 2025-04-09. Review status: criteria provided, single submitter. Criteria: ACMG Guidelines, 2015. Collection method: clinical testing. Allele origin: germline. Affected: no.

GeneDx
Classification: Benign. Last evaluated: 2021-05-04. Review status: criteria provided, single submitter. Criteria: GeneDx Variant Classification Process June 2021. Collection method: clinical testing. Allele origin: germline. Affected: yes.

Breakthrough Genomics
Classification: Benign. Review status: criteria provided, single submitter. Criteria: ACMG Guidelines, 2015. Collection method: not provided. Allele origin: germline. Inheritance: Unknown mechanism. Affected: yes.

PreventionGenetics, part of Exact Sciences
Classification: Benign for NRAP-related condition. Last evaluated: 2019-10-21. Review status: no assertion criteria provided. Collection method: clinical testing. Allele origin: germline. Not counted in ClinVar's aggregate classification.
Comment: This variant is classified as benign based on ACMG/AMP sequence variant interpretation guidelines (Richards et al. 2015 PMID: 25741868, with internal and published modifications).